The following is an entry in ClinVar:

ClinVar aggregate classification (germline): Uncertain significance (1 of 4 stars; one submission).

Submission:

GeneDx
Classification: Uncertain significance. Last evaluated: 2024-08-28. Review status: criteria provided, single submitter. Criteria: GeneDx Variant Classification Process June 2021. Collection method: clinical testing. Allele origin: germline. Affected: yes.
Comment: Not observed at significant frequency in large population cohorts (gnomAD); In silico analysis supports that this missense variant has a deleterious effect on protein structure/function; Has not been previously published as pathogenic or benign to our knowledge

NM_003482.4(KMT2D):c.16346G>A (p.Gly5449Asp)

Gene: KMT2D (lysine methyltransferase 2D; minus strand). Cytogenetic location: 12q13.12.
Variant type: single nucleotide variant.
Coding change: c.16346G>A on transcript NM_003482.4 (MANE Select); coding-DNA position 16346, G replaced by A.
Protein change: p.Gly5449Asp; replaces glycine 5449 with aspartic acid.
Molecular consequence: missense variant.
Genome position (GRCh38, 1-based): chr12:49,022,346, C>T on the plus strand (G>A on the coding strand, the complement: KMT2D is on the minus strand). VCF-style: chr12-49022346-C-T. GRCh37 (hg19) VCF-style: chr12-49416129-C-T.
Other names: short protein forms G5449D.
Identifiers: ClinVar variation 3766347 (VCV003766347.1).
Genomic context (GRCh38, chr12:49,022,346, plus strand): 5'-GGGCCGCCGGTCAACGTAGCATCAATCACATGTTCATTGTTTATTCGGAACATGTAGATG[C>T]CTCGATTCTAGAAAGGCAGAGGTTGCAGAAGAAGGGACAAGAGTATCAGAGAGTGGCAGT-3'
Protein context (NP_003473.3, residues 5439-5459): REKIYEEQNR[Gly5449Asp]IYMFRINNEH